The following is an entry in ClinVar:

NM_178857.6(RP1L1):c.4018_4019insGGACTAAAACAGAAGAAGGGCTGCAAGAAGAGGGGGTGCAGTTAGAGG (p.Glu1339_Glu1340insGlyThrLysThrGluGluGlyLeuGlnGluGluGlyValGlnLeuGlu)

Gene: RP1L1 (RP1 like 1). Cytogenetic location: 8p23.1.
Variant type: Indel.
Coding change: c.4018_4019insGGACTAAAACAGAAGAAGGGCTGCAAGAAGAGGGGGTGCAGTTAGAGG on transcript NM_178857.6 (MANE Select); coding-DNA positions 4018 to 4019, GGACTAAAACAGAAGAAGGGCTGCAAGAAGAGGGGGTGCAGTTAGAGG inserted.
Protein change: p.Glu1339_Glu1340insGlyThrLysThrGluGluGlyLeuGlnGluGluGlyValGlnLeuGlu.
Molecular consequence: inframe insertion.
Genome position: GRCh38: chr8:10,610,125-10,610,126. GRCh37 (hg19): chr8:10,467,635-10,467,636.
Identifiers: ClinVar variation 802389 (VCV000802389.13), dbSNP rs1585963477, ClinGen allele CA915945607.

ClinVar aggregate classification (germline): Benign/Likely benign. Review status: criteria provided, multiple submitters, no conflicts (2 of 4 stars). 4 submissions from 4 submitters: Benign (1); Likely benign (3). Last evaluated 2026-01-01.

Conditions:
Occult macular dystrophy (OCMD). Also called: OMD; OCCULT MACULAR DYSTROPHY, SUSCEPTIBILITY TO. Identifiers: Orphanet 247834, MedGen C3150833, MONDO:0013316, OMIM 613587, HP:0030636.

Submissions (4):

CeGaT Center for Human Genetics Tuebingen
Classification: Benign. Last evaluated: 2026-01-01. Review status: criteria provided, single submitter. Criteria: CeGaT Center For Human Genetics Tuebingen Variant Classification Criteria Version 2. Collection method: clinical testing. Allele origin: germline. Affected: yes. Observed: 2 variant alleles.
Comment: RP1L1: BS1, BS2

Laboratory of Genetics, Children's Clinical University Hospital Latvia
Classification: Likely benign. Last evaluated: 2025-02-16. Review status: criteria provided, single submitter. Criteria: ACMG Guidelines, 2015. Collection method: clinical testing. Allele origin: germline. Affected: yes.

Blueprint Genetics
Classification: Likely benign. Last evaluated: 2024-11-25. Review status: criteria provided, single submitter. Criteria: ACMG Guidelines, 2015. Collection method: clinical testing. Allele origin: germline.

Mendelics
Classification: Likely benign for Occult macular dystrophy. Last evaluated: 2019-05-28. Review status: criteria provided, single submitter. Criteria: Mendelics Assertion Criteria 2017. Collection method: clinical testing. Allele origin: unknown.